The following is an entry in ClinVar:

ClinVar aggregate classification (germline): Pathogenic (1 of 4 stars; one submission).

Submission:

Labcorp Genetics (formerly Invitae), Labcorp
Classification: Pathogenic. Last evaluated: 2025-03-24. Review status: criteria provided, single submitter. Criteria: Invitae Variant Classification Sherloc (09022015). Collection method: clinical testing. Allele origin: germline.
Comment: This sequence change creates a premature translational stop signal (p.Glu816Profs*9) in the MSH3 gene. It is expected to result in an absent or disrupted protein product. Loss-of-function variants in MSH3 are known to be pathogenic (PMID: 27476653, 37402566). This variant is not present in population databases (gnomAD no frequency). This variant has not been reported in the literature in individuals affected with MSH3-related conditions. For these reasons, this variant has been classified as Pathogenic.

Literature cited by the submitters: PubMed 27476653; PubMed 37402566.

NM_002439.5(MSH3):c.2446_2458del (p.Glu816fs)

Gene: MSH3 (mutS homolog 3; plus strand). Cytogenetic location: 5q14.1.
Variant type: Deletion.
Coding change: c.2446_2458del on transcript NM_002439.5 (MANE Select); coding-DNA positions 2446 to 2458, 13 bases deleted (GAACATTATCACT).
Protein change: p.Glu816fs; shifts the reading frame from glutamic acid 816.
Molecular consequence: frameshift variant.
Genome position (GRCh38, 1-based): chr5:80,787,575-80,787,587, GAACATTATCACT deleted; deleting any 13 consecutive bases within chr5:80,787,574-80,787,587 gives the same sequence; the c. name uses the placement nearest the transcript's 3' end. VCF-style (leftmost placement, unchanged base first): chr5-80787573-GTGAACATTATCAC-G. GRCh37 (hg19) VCF-style: chr5-80083392-GTGAACATTATCAC-G.
Other names: short protein forms E816fs.
Identifiers: ClinVar variation 4715788 (VCV004715788.1).